The following is an entry in ClinVar:

NM_000414.4(HSD17B4):c.2032G>A (p.Gly678Ser)

Gene: HSD17B4 (hydroxysteroid 17-beta dehydrogenase 4; plus strand). Cytogenetic location: 5q23.1.
Variant type: single nucleotide variant.
Coding change: c.2032G>A on transcript NM_000414.4 (MANE Select); coding-DNA position 2032, G replaced by A.
Protein change: p.Gly678Ser; replaces glycine 678 with serine.
Molecular consequence: missense variant. On other transcripts: non-coding transcript variant (2).
Genome position (GRCh38, 1-based): chr5:119,536,461, G>A. VCF-style: chr5-119536461-G-A. GRCh37 (hg19) VCF-style: chr5-118872156-G-A.
Other names: c.2107G>A, p.Gly703Ser (NM_001199291.3); c.1978G>A, p.Gly660Ser (NM_001199292.2); c.1960G>A, p.Gly654Ser (NM_001292027.2, NM_001374498.1); c.1612G>A, p.Gly538Ser (NM_001292028.2); c.2023G>A, p.Gly675Ser (NM_001374497.1); c.1705G>A, p.Gly569Ser (NM_001374499.1); c.1591G>A, p.Gly531Ser (NM_001374500.1); c.1621G>A, p.Gly541Ser (NM_001374501.1, NM_001374502.1, NM_001374503.1); short protein forms G538S, G675S, G654S, G541S, G569S, G678S, G703S, G531S.
Identifiers: ClinVar variation 2158094 (VCV002158094.1), dbSNP rs1754546208, ClinGen allele CA360871985.

ClinVar aggregate classification (germline): Uncertain significance (1 of 4 stars; one submission).

Conditions:
Bifunctional peroxisomal enzyme deficiency (DBIF). Also called: PBFE DEFICIENCY; DBP DEFICIENCY; D-bifunctional protein deficiency. Identifiers: Orphanet 300, MedGen C0342870, MONDO:0009855, OMIM 261515. Disease mechanism: loss of function.
Perrault syndrome. Also called: Gonadal dysgenesis with auditory dysfunction, autosomal recessive inheritance. Identifiers: Orphanet 2855, MedGen C0685838, MONDO:0017312.

Allele frequency attached by ClinVar (database versions not stated): gnomAD 0.00001.
gnomAD v4.1: 1 of 1,612,186 alleles (0.000062%); highest among the groups gnomAD compares: Non-Finnish European, 0.000085%; no homozygotes.

Submission:

Labcorp Genetics (formerly Invitae), Labcorp
Classification: Uncertain significance for Perrault syndrome; Bifunctional peroxisomal enzyme deficiency. Last evaluated: 2022-05-12. Review status: criteria provided, single submitter. Criteria: Invitae Variant Classification Sherloc (09022015). Collection method: clinical testing. Allele origin: germline.
Comment: This sequence change replaces glycine, which is neutral and non-polar, with serine, which is neutral and polar, at codon 678 of the HSD17B4 protein (p.Gly678Ser). This variant is not present in population databases (gnomAD no frequency). This variant has not been reported in the literature in individuals affected with HSD17B4-related conditions. Algorithms developed to predict the effect of missense changes on protein structure and function are either unavailable or do not agree on the potential impact of this missense change (SIFT: "Tolerated"; PolyPhen-2: "Possibly Damaging"; Align-GVGD: "Class C0"). In summary, the available evidence is currently insufficient to determine the role of this variant in disease. Therefore, it has been classified as a Variant of Uncertain Significance.